The following is an entry in ClinVar:

NM_000535.6(PMS2):c.804-?_903+?del

Gene: PMS2 (PMS1 homolog 2, mismatch repair system component; minus strand).
Variant type: Deletion.
Coding change: c.804-?_903+?del on transcript NM_000535.6.
Other names: c.804-?_903+?del (LRG_161t1).
Identifiers: ClinVar variation 91374 (VCV000091374.2).

ClinVar aggregate classification (germline): Pathogenic (3 of 4 stars; one submission).

Conditions:
Lynch syndrome. Identifiers: Orphanet 144, MedGen C4552100, MONDO:0005835. Disease mechanism: loss of function.

Submission:

International Society for Gastrointestinal Hereditary Tumours (InSiGHT)
Classification: Pathogenic for Lynch Syndrome. Last evaluated: 2013-09-05. Review status: reviewed by expert panel. Criteria: Guidelines v1.9. Collection method: research. Allele origin: germline.
Comment: Large deletion

Classified with v1.9 guidelines